The following is an entry in ClinVar:

NM_001430.5(EPAS1):c.2276A>G (p.Asn759Ser)

Gene: EPAS1 (endothelial PAS domain protein 1; plus strand). Cytogenetic location: 2p21.
Variant type: single nucleotide variant.
Coding change: c.2276A>G on transcript NM_001430.5 (MANE Select); coding-DNA position 2276, A replaced by G.
Protein change: p.Asn759Ser; replaces asparagine 759 with serine.
Molecular consequence: missense variant.
Genome position (GRCh38, 1-based): chr2:46,382,078, A>G. VCF-style: chr2-46382078-A-G. GRCh37 (hg19) VCF-style: chr2-46609217-A-G.
Other names: short protein forms N759S.
Identifiers: ClinVar variation 895932 (VCV000895932.4), dbSNP rs189263322, ClinGen allele CA1645283.
Genomic context (GRCh38, chr2:46,382,078, plus strand): 5'-GGATGAAGAACCTCAGGGGTGGGAGCTGCCCTTTGATGCCGGACAAGCCACTGAGCGCAA[A>G]TGTACCCAATGGTGAGCAGCGGCCACAGGCCTGGGCCTCCTGGGGGTTCTGGTGGAAGGA-3'
Protein context (NP_001421.2, residues 749-769): PLMPDKPLSA[Asn759Ser]VPNDKFTQNP

ClinVar aggregate classification (germline): Benign (1 of 4 stars; one submission).

Conditions:
Erythrocytosis, familial, 4 (ECYT4). Identifiers: Orphanet 247511, MedGen C2673187, MONDO:0012729, OMIM 611783.

Allele frequency attached by ClinVar (database versions not stated): gnomAD exomes below 0.00001 and 0.00004; gnomAD 0.00001 and 0.00002; 1000 Genomes Project 30x 0.00031; TOPMed below 0.00001; ExAC 0.00001; 1000 Genomes Project 0.00040.

Submission:

Illumina Laboratory Services, Illumina
Classification: Benign for Erythrocytosis, familial, 4. Last evaluated: 2018-01-13. Review status: criteria provided, single submitter. Criteria: ICSL Variant Classification Criteria 13 December 2019. Collection method: clinical testing. Allele origin: germline.
Comment: This variant was observed in the ICSL laboratory as part of a predisposition screen in an ostensibly healthy population. It had not been previously curated by ICSL or reported in the Human Gene Mutation Database (HGMD: prior to June 1st, 2018), and was therefore a candidate for classification through an automated scoring system. Utilizing variant allele frequency, disease prevalence and penetrance estimates, and inheritance mode, an automated score was calculated to assess if this variant is too frequent to cause the disease. Based on the score and internal cut-off values, a variant classified as benign is not then subjected to further curation. The score for this variant resulted in a classification of benign for this disease.